The following is an entry in ClinVar:

NM_015141.4(GPD1L):c.368G>T (p.Gly123Val)

Gene: GPD1L (glycerol-3-phosphate dehydrogenase 1 like; plus strand). Cytogenetic location: 3p22.3.
Variant type: single nucleotide variant.
Coding change: c.368G>T on transcript NM_015141.4 (MANE Select); coding-DNA position 368, G replaced by T.
Protein change: p.Gly123Val; replaces glycine 123 with valine.
Molecular consequence: missense variant.
Genome position (GRCh38, 1-based): chr3:32,140,229, G>T. VCF-style: chr3-32140229-G-T. GRCh37 (hg19) VCF-style: chr3-32181721-G-T.
Other names: short protein forms G123V.
Identifiers: ClinVar variation 4528131 (VCV004528131.1).

ClinVar aggregate classification (germline): Uncertain significance (1 of 4 stars; one submission).

Submission:

GeneDx
Classification: Uncertain significance. Last evaluated: 2025-05-03. Review status: criteria provided, single submitter. Criteria: GeneDx Variant Classification Process June 2021. Collection method: clinical testing. Allele origin: germline. Affected: yes.
Comment: Not observed at significant frequency in large population cohorts (gnomAD); In silico analysis supports that this missense variant has a deleterious effect on protein structure/function; Has not been previously published as pathogenic or benign to our knowledge